The following is an entry in ClinVar:

ClinVar aggregate classification (germline): Uncertain significance (1 of 4 stars; one submission).

Allele frequency attached by ClinVar (database versions not stated): gnomAD exomes 0.00002.
gnomAD v4.1: 25 of 1,613,360 alleles (0.0015%); highest among the groups gnomAD compares: East Asian, 0.042%; no homozygotes.

Submission:

Labcorp Genetics (formerly Invitae), Labcorp
Classification: Uncertain significance. Last evaluated: 2021-12-29. Review status: criteria provided, single submitter. Criteria: Invitae Variant Classification Sherloc (09022015). Collection method: clinical testing. Allele origin: germline.
Comment: This sequence change replaces glutamic acid, which is acidic and polar, with lysine, which is basic and polar, at codon 702 of the SLC9A3 protein (p.Glu702Lys). This variant is present in population databases (no rsID available, gnomAD 0.01%). This variant has not been reported in the literature in individuals affected with SLC9A3-related conditions. Algorithms developed to predict the effect of missense changes on protein structure and function are either unavailable or do not agree on the potential impact of this missense change (SIFT: "Not Available"; PolyPhen-2: "Benign"; Align-GVGD: "Not Available"). In summary, the available evidence is currently insufficient to determine the role of this variant in disease. Therefore, it has been classified as a Variant of Uncertain Significance.

NM_004174.4(SLC9A3):c.2104G>A (p.Glu702Lys)

Genes: SLC9A3 (solute carrier family 9 member A3), SLC9A3-AS1 (SLC9A3 antisense RNA 1; plus strand). Cytogenetic location: 5p15.33.
Variant type: single nucleotide variant.
Coding change: c.2104G>A on transcript NM_004174.4 (MANE Select); coding-DNA position 2104, G replaced by A.
Protein change: p.Glu702Lys; replaces glutamic acid 702 with lysine.
Molecular consequence: missense variant.
Genome position (GRCh38, 1-based): chr5:476,056, C>T on the plus strand (G>A on the coding strand, the complement: SLC9A3 is on the minus strand). VCF-style: chr5-476056-C-T. GRCh37 (hg19) VCF-style: chr5-476171-C-T.
Other names: c.2077G>A, p.Glu693Lys (NM_001284351.3); short protein forms E702K, E693K.
Identifiers: ClinVar variation 1978314 (VCV001978314.4), dbSNP rs1206787828, ClinGen allele CA359024506.